The following is an entry in ClinVar:

ClinVar aggregate classification (germline): Pathogenic (1 of 4 stars; one submission).

Submission:

CeGaT Center for Human Genetics Tuebingen
Classification: Pathogenic. Last evaluated: 2026-09-01. Review status: criteria provided, single submitter. Criteria: CeGaT Center For Human Genetics Tuebingen Variant Classification Criteria Version 2. Collection method: clinical testing. Allele origin: germline. Affected: yes. Observed: 1 variant allele.
Comment: CTNNB1: PVS1, PM2, PS2:Moderate

NM_001904.4(CTNNB1):c.1814_1821dup (p.Glu608fs)

Gene: CTNNB1 (catenin beta 1; plus strand). Cytogenetic location: 3p22.1.
Variant type: Duplication.
Coding change: c.1814_1821dup on transcript NM_001904.4 (MANE Select); coding-DNA positions 1814 to 1821, 8 bases duplicated (CTCCCATT; older notation c.1814_1821dupCTCCCATT).
Protein change: p.Glu608fs; shifts the reading frame from glutamic acid 608.
Molecular consequence: frameshift variant.
Genome position (GRCh38, 1-based): chr3:41,236,359-41,236,366, CTCCCATT duplicated; duplicating any 8 consecutive bases within chr3:41,236,356-41,236,366 gives the same sequence; the c. name uses the placement nearest the transcript's 3' end. VCF-style (leftmost placement, unchanged base first): chr3-41236355-T-TATTCTCCC. GRCh37 (hg19) VCF-style: chr3-41277846-T-TATTCTCCC.
Other names: c.1814_1821dup, p.Glu608fs (NM_001098209.2, NM_001098210.2, NM_001438871.1 and 4 more transcripts); c.1793_1800dup, p.Glu601fs (NM_001330729.2); short protein forms E601fs, E608fs.
Identifiers: ClinVar variation 5041713 (VCV005041713.1).